The following is an entry in ClinVar:

ClinVar aggregate classification (germline): Uncertain significance (1 of 4 stars; one submission).

Conditions:
Hereditary spastic paraplegia 28. Also called: Spastic paraplegia 28, autosomal recessive. Identifiers: Orphanet 101008, MedGen C1836295, MONDO:0012256, OMIM 609340.

Allele frequency attached by ClinVar (database versions not stated): TOPMed below 0.00001.

Submission:

Labcorp Genetics (formerly Invitae), Labcorp
Classification: Uncertain significance for Hereditary spastic paraplegia 28. Last evaluated: 2025-09-08. Review status: criteria provided, single submitter. Criteria: Invitae Variant Classification Sherloc (09022015). Collection method: clinical testing. Allele origin: germline.
Comment: This sequence change replaces aspartic acid, which is acidic and polar, with histidine, which is basic and polar, at codon 81 of the DDHD1 protein (p.Asp81His). This variant is present in population databases (no rsID available, gnomAD 0.006%). This variant has not been reported in the literature in individuals affected with DDHD1-related conditions. ClinVar contains an entry for this variant (Variation ID: 2413482). An algorithm developed to predict the effect of missense changes on protein structure and function (PolyPhen-2) suggests that this variant is likely to be disruptive. In summary, the available evidence is currently insufficient to determine the role of this variant in disease. Therefore, it has been classified as a Variant of Uncertain Significance.

NM_001160148.2(DDHD1):c.241G>C (p.Asp81His)

Gene: DDHD1 (DDHD domain containing 1; minus strand). Cytogenetic location: 14q22.1.
Variant type: single nucleotide variant.
Coding change: c.241G>C on transcript NM_001160148.2 (MANE Select); coding-DNA position 241, G replaced by C.
Protein change: p.Asp81His; replaces aspartic acid 81 with histidine.
Molecular consequence: missense variant.
Genome position (GRCh38, 1-based): chr14:53,152,858, C>G on the plus strand (G>C on the coding strand, the complement: DDHD1 is on the minus strand). VCF-style: chr14-53152858-C-G. GRCh37 (hg19) VCF-style: chr14-53619576-C-G.
Other names: c.241G>C, p.Asp81His (NM_001160147.2, NM_030637.3); short protein forms D81H.
Identifiers: ClinVar variation 2413482 (VCV002413482.6), dbSNP rs1347254772, ClinGen allele CA389781272.